The following is an entry in ClinVar:

ClinVar aggregate classification (germline): Pathogenic (1 of 4 stars; one submission).

Submission:

Clinical Genomics Laboratory, Laboratory for Precision Diagnostics, University of Washington
Classification: Pathogenic. Last evaluated: 2024-01-03. Review status: criteria provided, single submitter. Criteria: ACMG/ClinGen CNV Guidelines, 2019. Collection method: clinical testing. Allele origin: unknown. Affected: yes. Observed: 1 variant allele.
Comment: This interstitial duplication is approximately 8.6 Mb in size and contains 31 protein-coding genes. Notably, the duplication encompasses SOX3. Duplications of SOX3 have been found multiple times in people with neural tube defects. Most recently, PMID: 35098650 described a family in which a 433 kb duplication encompassing only SOX3 was found in three generations of people with a neural tube defect. PMID: 31299102 reported three unrelated fetuses with lumbosacral neural tube defects who each had XX sex chromosomes and a duplication of SOX3. One was inherited from an unaffected mother found to have skewed X-inactivation. In the second fetus, the duplication was inherited from an unaffected father (suggesting incomplete penetrance) whose mother had terminated a pregnancy because the fetus had anencephaly. Parental testing was not done in the third case, in which the duplication was 9.1 Mb in size. Duplications of SOX3 also appear at low frequency in databases of copy number variants found in healthy control people, which is further evidence of incomplete penetrance. Duplications of SOX3 are also associated with hypopituitarism, differences in sex development, and intellectual disability (see PMID: 33184694 for a review).

Literature cited by the submitters: PubMed 35098650; PubMed 33184694; PubMed 31299102.

GRCh38/hg38 Xq26.3-27.3(chrX:136067124-144697330)x2

Genes: ADGRG4 (adhesion G protein-coupled receptor G4; plus strand), ARHGEF6 (Rac/Cdc42 guanine nucleotide exchange factor 6; minus strand), ATP11C (ATPase phospholipid transporting 11C (ATP11C blood group); minus strand), BRS3 (bombesin receptor subtype 3; plus strand), CD40LG (CD40 ligand; plus strand) and 85 more. Cytogenetic location: Xq26.3-27.3.
Variant type: copy number gain.
Change: copy number 2 of chrX:136,067,124-144,697,330 (8.63 Mb, GRCh38 coordinates, 1-based), cytogenetic band Xq26.3-27.3.
Identifiers: ClinVar variation 4890961 (VCV004890961.1).